The following is an entry in ClinVar:

NM_018993.4(RIN2):c.252C>T (p.Leu84=)

Gene: RIN2 (Ras and Rab interactor 2; plus strand). Cytogenetic location: 20p11.23.
Variant type: single nucleotide variant.
Coding change: c.252C>T on transcript NM_018993.4 (MANE Select); coding-DNA position 252, C replaced by T.
Protein change: p.Leu84=; no amino-acid change (leucine 84 retained).
Molecular consequence: synonymous variant. On other transcripts: 5 prime UTR variant (1).
Genome position (GRCh38, 1-based): chr20:19,956,708, C>T. VCF-style: chr20-19956708-C-T. GRCh37 (hg19) VCF-style: chr20-19937352-C-T.
Other names: c.399C>T, p.Leu133= (NM_001242581.2); c.-294C>T (NM_001378238.1).
Identifiers: ClinVar variation 511881 (VCV000511881.1), dbSNP rs1555800445, ClinGen allele CA509827164.
Genomic context (GRCh38, chr20:19,956,708, plus strand): 5'-GGAAGAGGACGTGAAGACCTGTGCCCGGGACTCAGGCTATGACAGCCTCTCCAACAGGCT[C>T]AGCATCTTGGACCGGCTCCTCCACACCCACCCCATATGGCTGCAGCTGAGTCTGAGTGAG-3'
Protein context (NP_061866.1, residues 74-94): DSGYDSLSNR[Leu84=]SILDRLLHTH

ClinVar aggregate classification (germline): Likely benign (1 of 4 stars; one submission).

Submission:

GeneDx
Classification: Likely benign. Last evaluated: 2017-09-15. Review status: criteria provided, single submitter. Criteria: GeneDx Variant Classification (06012015). Collection method: clinical testing. Allele origin: germline. Affected: yes.
Comment: This variant is considered likely benign or benign based on one or more of the following criteria: it is a conservative change, it occurs at a poorly conserved position in the protein, it is predicted to be benign by multiple in silico algorithms, and/or has population frequency not consistent with disease.